The following is an entry in ClinVar:

NM_000518.5(HBB):c.316-112A>G

Genes: HBB (hemoglobin subunit beta; minus strand), LOC107133510 (origin of replication at HBB; plus strand), LOC110006319 (beta-globin gene 3' regulatory region; plus strand). Cytogenetic location: 11p15.4.
Variant type: single nucleotide variant.
Coding change: c.316-112A>G on transcript NM_000518.5 (MANE Select); 112 bases into the intron before coding-DNA position 316, A replaced by G.
Molecular consequence: intron variant.
Genome position (GRCh38, 1-based): chr11:5,225,838, T>C on the plus strand (A>G on the coding strand, the complement: HBB is on the minus strand). VCF-style: chr11-5225838-T-C. GRCh37 (hg19) VCF-style: chr11-5247068-T-C.
Other names: c.316-112A>G (NM_000518.4).
Identifiers: ClinVar variation 1146323 (VCV001146323.9), dbSNP rs1847535052, ClinGen allele CA1949565740.

ClinVar aggregate classification (germline): Likely benign. Review status: criteria provided, multiple submitters, no conflicts (2 of 4 stars). 2 submissions from 2 submitters: Likely benign (2). Last evaluated 2023-09-08.

Allele frequency attached by ClinVar (database versions not stated): TOPMed below 0.00001.

Submissions (2):

Women's Health and Genetics/Laboratory Corporation of America, LabCorp
Classification: Likely benign. Last evaluated: 2023-09-08. Review status: criteria provided, single submitter. Criteria: LabCorp Variant Classification Summary - May 2015. Collection method: clinical testing. Allele origin: germline.
Comment: Variant summary: HBB c.316-112A>G is located at a position not widely known to affect splicing. Consensus agreement among computation tools predict no significant impact on normal splicing. However, these predictions have yet to be confirmed by functional studies. The variant was absent in 152116 control chromosomes (gnomAD v3.1.2). The available data on variant occurrences in the general population are insufficient to allow any conclusion about variant significance. To our knowledge, no occurrence of c.316-112A>G in individuals affected with Hemoglobinopathy and no experimental evidence demonstrating its impact on protein function have been reported. One submitter has reported clinical-significance assessments for this variant to ClinVar after 2014 and has classified the variant as likely benign. Based on the evidence outlined above, the variant was classified as likely benign.

Labcorp Genetics (formerly Invitae), Labcorp
Classification: Likely benign. Last evaluated: 2021-05-07. Review status: criteria provided, single submitter. Criteria: Invitae Variant Classification Sherloc (09022015). Collection method: clinical testing. Allele origin: germline.